The following is an entry in ClinVar:

ClinVar aggregate classification (germline): Uncertain significance. Review status: criteria provided, multiple submitters, no conflicts (2 of 4 stars). 4 submissions from 4 submitters: Uncertain significance (4). Last evaluated 2025-09-17.

Conditions:
Idiopathic hypereosinophilic syndrome (HES). Identifiers: Orphanet 3260, MedGen C0206141, MONDO:0011895, OMIM 607685. Disease mechanism: gain of function.
Polyps, multiple and recurrent inflammatory fibroid, gastrointestinal. Identifiers: MedGen C5193005, MONDO:0008285, OMIM 175510.
Hereditary cancer-predisposing syndrome. Also called: Tumor predisposition; Hereditary neoplastic syndrome; Hereditary Cancer Syndrome; Neoplastic Syndromes, Hereditary. Identifiers: Orphanet 140162, MedGen C0027672, MeSH D009386, MONDO:0015356.
Gastrointestinal stromal tumor. Also called: Gastrointestinal stroma tumor; Gastrointestinal stromal tumor, somatic. Identifiers: Orphanet 44890, MedGen C0238198, MeSH D046152, MONDO:0011719, OMIM 606764, HP:0100723.

Allele frequency attached by ClinVar (database versions not stated): TOPMed below 0.00001; gnomAD exomes 0.00001.

Submissions (4):

Ambry Genetics
Classification: Uncertain significance for Hereditary cancer-predisposing syndrome. Last evaluated: 2025-09-17. Review status: criteria provided, single submitter. Criteria: Ambry Variant Classification Scheme 2023. Collection method: clinical testing. Allele origin: germline.
Comment: The p.Y405C variant (also known as c.1214A>G), located in coding exon 7 of the PDGFRA gene, results from an A to G substitution at nucleotide position 1214. The tyrosine at codon 405 is replaced by cysteine, an amino acid with highly dissimilar properties. This amino acid position is conserved. In addition, this alteration is predicted to be tolerated by in silico analysis. Since supporting evidence is limited at this time, the clinical significance of this alteration remains unclear.

Labcorp Genetics (formerly Invitae), Labcorp
Classification: Uncertain significance for Gastrointestinal stromal tumor. Last evaluated: 2024-09-02. Review status: criteria provided, single submitter. Criteria: Invitae Variant Classification Sherloc (09022015). Collection method: clinical testing. Allele origin: germline.
Comment: This sequence change replaces tyrosine, which is neutral and polar, with cysteine, which is neutral and slightly polar, at codon 405 of the PDGFRA protein (p.Tyr405Cys). This variant is not present in population databases (gnomAD no frequency). This variant has not been reported in the literature in individuals affected with PDGFRA-related conditions. ClinVar contains an entry for this variant (Variation ID: 528600). Invitae Evidence Modeling of protein sequence and biophysical properties (such as structural, functional, and spatial information, amino acid conservation, physicochemical variation, residue mobility, and thermodynamic stability) indicates that this missense variant is not expected to disrupt PDGFRA protein function with a negative predictive value of 80%. In summary, the available evidence is currently insufficient to determine the role of this variant in disease. Therefore, it has been classified as a Variant of Uncertain Significance.

Fulgent Genetics
Classification: Uncertain significance for Polyps, multiple and recurrent inflammatory fibroid, gastrointestinal; Idiopathic hypereosinophilic syndrome. Last evaluated: 2024-03-21. Review status: criteria provided, single submitter. Criteria: ACMG Guidelines, 2015. Collection method: clinical testing. Allele origin: germline.

Baylor Genetics
Classification: Uncertain significance for Polyps, multiple and recurrent inflammatory fibroid, gastrointestinal. Last evaluated: 2024-02-13. Review status: criteria provided, single submitter. Criteria: ACMG Guidelines, 2015. Collection method: clinical testing. Allele origin: unknown.

NM_006206.6(PDGFRA):c.1214A>G (p.Tyr405Cys)

Gene: PDGFRA (platelet derived growth factor receptor alpha; plus strand). Cytogenetic location: 4q12.
Variant type: single nucleotide variant.
Coding change: c.1214A>G on transcript NM_006206.6 (MANE Select); coding-DNA position 1214, A replaced by G.
Protein change: p.Tyr405Cys; replaces tyrosine 405 with cysteine.
Molecular consequence: missense variant.
Genome position (GRCh38, 1-based): chr4:54,270,725, A>G. VCF-style: chr4-54270725-A-G. GRCh37 (hg19) VCF-style: chr4-55136892-A-G.
Other names: c.1214A>G, p.Tyr405Cys (NM_001347827.2, NM_001347829.2); c.1289A>G, p.Tyr430Cys (NM_001347828.2); c.1253A>G, p.Tyr418Cys (NM_001347830.2); short protein forms Y405C, Y430C, Y418C.
Identifiers: ClinVar variation 528600 (VCV000528600.14), dbSNP rs1553903757, ClinGen allele CA356892072.
Genomic context (GRCh38, chr4:54,270,725, plus strand): 5'-AGGAAGAAGACAGTGGCCATTATACTATTGTAGCTCAAAATGAAGATGCTGTGAAGAGCT[A>G]TACTTTTGAACTGTTAACTCAAGGTATGTAAAGGGAGTATAAAGATAATGCTAGCTCTGT-3'
Protein context (NP_006197.1, residues 395-415): VAQNEDAVKS[Tyr405Cys]TFELLTQVPS